The following is an entry in ClinVar:

ClinVar aggregate classification (germline): Uncertain significance (1 of 4 stars; one submission).

Allele frequency attached by ClinVar (database versions not stated): TOPMed below 0.00001; gnomAD 0.00001; gnomAD exomes 0.00001.
gnomAD v4.1: 9 of 1,613,876 alleles (0.00056%); highest among the groups gnomAD compares: Middle Eastern, 0.016%; no homozygotes.

Submission:

Labcorp Genetics (formerly Invitae), Labcorp
Classification: Uncertain significance. Last evaluated: 2024-10-29. Review status: criteria provided, single submitter. Criteria: Invitae Variant Classification Sherloc (09022015). Collection method: clinical testing. Allele origin: germline.
Comment: This sequence change replaces glycine, which is neutral and non-polar, with glutamic acid, which is acidic and polar, at codon 1775 of the NBAS protein (p.Gly1775Glu). This variant is present in population databases (no rsID available, gnomAD 0.002%). This variant has not been reported in the literature in individuals affected with NBAS-related conditions. ClinVar contains an entry for this variant (Variation ID: 1444681). Invitae Evidence Modeling of protein sequence and biophysical properties (such as structural, functional, and spatial information, amino acid conservation, physicochemical variation, residue mobility, and thermodynamic stability) indicates that this missense variant is not expected to disrupt NBAS protein function with a negative predictive value of 95%. In summary, the available evidence is currently insufficient to determine the role of this variant in disease. Therefore, it has been classified as a Variant of Uncertain Significance.

NM_015909.4(NBAS):c.5324G>A (p.Gly1775Glu)

Gene: NBAS (NBAS subunit of NRZ tethering complex; minus strand). Cytogenetic location: 2p24.3.
Variant type: single nucleotide variant.
Coding change: c.5324G>A on transcript NM_015909.4 (MANE Select); coding-DNA position 5324, G replaced by A.
Protein change: p.Gly1775Glu; replaces glycine 1775 with glutamic acid.
Molecular consequence: missense variant. On other transcripts: non-coding transcript variant (1).
Genome position (GRCh38, 1-based): chr2:15,276,916, C>T on the plus strand (G>A on the coding strand, the complement: NBAS is on the minus strand). VCF-style: chr2-15276916-C-T. GRCh37 (hg19) VCF-style: chr2-15417040-C-T.
Other names: short protein forms G1775E.
Identifiers: ClinVar variation 1444681 (VCV001444681.7), dbSNP rs1194817097, ClinGen allele CA345883572.